The following is an entry in ClinVar:

ClinVar aggregate classification (germline): Conflicting classifications of pathogenicity. Review status: criteria provided, conflicting classifications (1 of 4 stars). 5 submissions from 5 submitters: Uncertain significance (1); Likely benign (3). 1 of the submissions does not count toward it. Last evaluated 2026-02-03.

Conditions:
Cardiovascular phenotype. Identifiers: MedGen CN230736.
Primary familial hypertrophic cardiomyopathy (HCM). Identifiers: Orphanet 99739, MedGen C0949658, MeSH D024741, MONDO:0024573. Inheritance: Various modes of inheritance.
Dilated cardiomyopathy 1AA (CMD1AA). Also called: Cardiomyopathy, dilated, 1AA, with or without LVNC; CARDIOMYOPATHY, DILATED, 1AA, WITH OR WITHOUT LEFT VENTRICULAR NONCOMPACTION; CARDIOMYOPATHY, FAMILIAL HYPERTROPHIC, 23, WITH OR WITHOUT LEFT VENTRICULAR NONCOMPACTION. Identifiers: Orphanet 154, MedGen C2677338, MONDO:0012808, OMIM 612158.
Cardiomyopathy (CMYO). Also called: Cardiomyopathies. Identifiers: Orphanet 167848, MedGen C0878544, MONDO:0004994, HP:0001638. Inheritance: Various modes of inheritance.

Allele frequency attached by ClinVar (database versions not stated): gnomAD 0.00001; 1000 Genomes Project 30x 0.00016; 1000 Genomes Project 0.00020; ExAC 0.00003; gnomAD exomes 0.00004 and 0.00006.

Submissions (5):

Labcorp Genetics (formerly Invitae), Labcorp
Classification: Likely benign for Primary familial hypertrophic cardiomyopathy; Dilated cardiomyopathy 1AA. Last evaluated: 2026-02-03. Review status: criteria provided, single submitter. Criteria: Invitae Variant Classification Sherloc (09022015). Collection method: clinical testing. Allele origin: germline.

Ambry Genetics
Classification: Likely benign for Cardiovascular phenotype. Last evaluated: 2025-06-20. Review status: criteria provided, single submitter. Criteria: Ambry Variant Classification Scheme 2023. Collection method: clinical testing. Allele origin: germline.

CHEO Genetics Diagnostic Laboratory, Children's Hospital of Eastern Ontario
Classification: Likely benign for Cardiomyopathy. Last evaluated: 2018-06-05. Review status: criteria provided, single submitter. Criteria: ACMG Guidelines, 2015. Collection method: clinical testing. Allele origin: germline.

Stanford Center for Inherited Cardiovascular Disease, Stanford University
Classification: Uncertain significance. Last evaluated: 2016-05-27. Review status: criteria provided, single submitter. Criteria: ACMG Guidelines, 2015. Collection method: provider interpretation. Allele origin: germline.

Department of Pathology and Laboratory Medicine, Sinai Health System
Classification: Uncertain significance. Review status: no assertion criteria provided. Collection method: clinical testing. Allele origin: unknown. Affected: yes. Study: The Canadian Open Genetics Repository (COGR). Not counted in ClinVar's aggregate classification.
Comment: The ACTN2 p.His518Tyr variant was not identified in the literature but was identified in dbSNP (ID: rs573836993) and ClinVar (classified as uncertain significance by Invitae, CHEO, and Stanford University). The variant was identified in control databases in 14 of 251440 chromosomes at a frequency of 0.00005568 (Genome Aggregation Database March 6, 2019, v2.1.1). The variant was observed in the East Asian population in 14 of 18394 chromosomes (freq: 0.000761), but was not observed in the African, Latino, Ashkenazi Jewish, European (Finnish), European (non-Finnish), Other, or South Asian populations. The p.His518 residue is conserved in mammals but not in more distantly related organisms however four out of five computational analyses (PolyPhen-2, SIFT, AlignGVGD, BLOSUM, MutationTaster) do not suggest a high likelihood of impact to the protein; this information is not predictive enough to rule out pathogenicity. The variant occurs outside of the splicing consensus sequence and in silico or computational prediction software programs (SpliceSiteFinder, MaxEntScan, NNSPLICE, GeneSplicer) do not predict a difference in splicing. In summary, based on the above information the clinical significance of this variant cannot be determined with certainty at this time. This variant is classified as a variant of uncertain significance.

Literature cited by the submitters: PubMed 31983221 (cited by Ambry Genetics).

NM_001103.4(ACTN2):c.1552C>T (p.His518Tyr)

Gene: ACTN2 (actinin alpha 2; plus strand). Cytogenetic location: 1q43.
Variant type: single nucleotide variant.
Coding change: c.1552C>T on transcript NM_001103.4 (MANE Select); coding-DNA position 1552, C replaced by T.
Protein change: p.His518Tyr; replaces histidine 518 with tyrosine.
Molecular consequence: missense variant.
Genome position (GRCh38, 1-based): chr1:236,749,160, C>T. VCF-style: chr1-236749160-C-T. GRCh37 (hg19) VCF-style: chr1-236912460-C-T.
Other names: c.1552C>T, p.His518Tyr (NM_001278343.2); c.928C>T, p.His310Tyr (NM_001278344.2); short protein forms H518Y, H310Y.
Identifiers: ClinVar variation 412281 (VCV000412281.18), dbSNP rs573836993, ClinGen allele CA1473193.